The following is an entry in ClinVar:

NM_001904.4(CTNNB1):c.-48-3del

Gene: CTNNB1 (catenin beta 1; plus strand). Cytogenetic location: 3p22.1.
Variant type: Deletion.
Coding change: c.-48-3del on transcript NM_001904.4 (MANE Select); 3 bases into the intron before 48 bases upstream of the start codon, one base deleted (T; older notation c.-48-3delT).
Molecular consequence: intron variant.
Genome position (GRCh38, 1-based): chr3:41,224,018, T deleted; the last of 7 consecutive T bases (chr3:41,224,012-41,224,018); deleting any one gives the same sequence. VCF-style (leftmost placement, unchanged base first): chr3-41224011-CT-C. GRCh37 (hg19) VCF-style: chr3-41265502-CT-C.
Other names: c.-201-3del (NM_001330729.2); c.-48-3del (NM_001098209.2, NM_001098210.2).
Identifiers: ClinVar variation 1199102 (VCV001199102.4), dbSNP rs968099699, ClinGen allele CA74088357.

ClinVar aggregate classification (germline): Likely benign (1 of 4 stars; one submission).

Submission:

GeneDx
Classification: Likely benign. Last evaluated: 2022-07-11. Review status: criteria provided, single submitter. Criteria: GeneDx Variant Classification Process June 2021. Collection method: clinical testing. Allele origin: germline. Affected: yes.
Comment: See Variant Classification Assertion Criteria.